The following is an entry in ClinVar:

ClinVar aggregate classification (germline): Uncertain significance. Review status: criteria provided, multiple submitters, no conflicts (2 of 4 stars). 2 submissions from 2 submitters: Uncertain significance (2). Last evaluated 2025-02-11.

Conditions:
Inborn genetic diseases. Identifiers: MedGen C0950123, MeSH D030342.

Allele frequency attached by ClinVar (database versions not stated): gnomAD 0.00001; gnomAD exomes 0.00001; TOPMed 0.00001.
gnomAD v4.1: 5 of 1,612,962 alleles (0.00031%); highest among the groups gnomAD compares: Non-Finnish European, 0.00042%; no homozygotes.

Submissions (2):

Ambry Genetics
Classification: Uncertain significance for Inborn genetic diseases. Last evaluated: 2025-02-11. Review status: criteria provided, single submitter. Criteria: Ambry Variant Classification Scheme 2023. Collection method: clinical testing. Allele origin: germline.

Labcorp Genetics (formerly Invitae), Labcorp
Classification: Uncertain significance. Last evaluated: 2021-08-27. Review status: criteria provided, single submitter. Criteria: Invitae Variant Classification Sherloc (09022015). Collection method: clinical testing. Allele origin: germline.
Comment: This sequence change replaces aspartic acid with alanine at codon 588 of the TUBGCP4 protein (p.Asp588Ala). The aspartic acid residue is moderately conserved and there is a moderate physicochemical difference between aspartic acid and alanine. This variant is not present in population databases (ExAC no frequency). This variant has not been reported in the literature in individuals affected with TUBGCP4-related conditions. Algorithms developed to predict the effect of missense changes on protein structure and function (SIFT, PolyPhen-2, Align-GVGD) all suggest that this variant is likely to be tolerated. In summary, the available evidence is currently insufficient to determine the role of this variant in disease. Therefore, it has been classified as a Variant of Uncertain Significance.

NM_014444.5(TUBGCP4):c.1760A>C (p.Asp587Ala)

Genes: TP53BP1 (tumor protein p53 binding protein 1; minus strand), TUBGCP4 (tubulin gamma complex component 4; plus strand). Cytogenetic location: 15q15.3.
Variant type: single nucleotide variant.
Coding change: c.1760A>C on transcript NM_014444.5 (MANE Select); coding-DNA position 1760, A replaced by C.
Protein change: p.Asp587Ala; replaces aspartic acid 587 with alanine.
Molecular consequence: missense variant. On other transcripts: 3 prime UTR variant (5).
Genome position (GRCh38, 1-based): chr15:43,403,711, A>C. VCF-style: chr15-43403711-A-C. GRCh37 (hg19) VCF-style: chr15-43695909-A-C.
Other names: c.1763A>C, p.Asp588Ala (NM_001286414.3); c.*3672T>G (NM_001141979.3, NM_001141980.3, NM_001355001.2 and 2 more transcripts); c.1760A>C (NM_014444.2); short protein forms D588A, D587A.
Identifiers: ClinVar variation 1046474 (VCV001046474.7), dbSNP rs1263645431, ClinGen allele CA392139398.